The following is an entry in ClinVar:

NM_006796.3(AFG3L2):c.2218G>T (p.Asp740Tyr)

Genes: TUBB6 (tubulin beta 6 class V; plus strand), AFG3L2 (AFG3 like matrix AAA peptidase subunit 2; minus strand). Cytogenetic location: 18p11.21.
Variant type: single nucleotide variant.
Coding change: c.2218G>T on transcript NM_006796.3 (MANE Select); coding-DNA position 2218, G replaced by T.
Protein change: p.Asp740Tyr; replaces aspartic acid 740 with tyrosine.
Molecular consequence: missense variant. On other transcripts: 3 prime UTR variant (1).
Genome position (GRCh38, 1-based): chr18:12,329,741, C>A on the plus strand (G>T on the coding strand, the complement: AFG3L2 is on the minus strand). VCF-style: chr18-12329741-C-A. GRCh37 (hg19) VCF-style: chr18-12329740-C-A.
Other names: c.*558C>A (NM_001303525.2); short protein forms D740Y.
Identifiers: ClinVar variation 1694866 (VCV001694866.29), dbSNP rs2143074393, ClinGen allele CA401950851.
Genomic context (GRCh38, chr18:12,329,741, plus strand): 5'-CAAATTCTTCATAGGTAGATTTTTCCGCAAATGGTCTGGGGCCCAAAAGTTCAACCATAT[C>A]ATTCTTATCTAATACTTCTTTTTCTAACAACAGAAGAGCAACCTGAAATATGAACAATTT-3'
Protein context (NP_006787.2, residues 730-750): LLEKEVLDKN[Asp740Tyr]MVELLGPRPF

ClinVar aggregate classification (germline): Uncertain significance. Review status: criteria provided, multiple submitters, no conflicts (2 of 4 stars). 2 submissions from 2 submitters: Uncertain significance (2). Last evaluated 2024-06-17.

Conditions:
Inborn genetic diseases. Identifiers: MedGen C0950123, MeSH D030342.

Allele frequency attached by ClinVar (database versions not stated): gnomAD exomes below 0.00001.
gnomAD v4.1: 4 of 1,614,220 alleles (0.00025%); highest among the groups gnomAD compares: Non-Finnish European, 0.00034%; no homozygotes.

Submissions (2):

Ambry Genetics
Classification: Uncertain significance for Inborn genetic diseases. Last evaluated: 2024-06-17. Review status: criteria provided, single submitter. Criteria: Ambry Variant Classification Scheme 2023. Collection method: clinical testing. Allele origin: germline.

CeGaT Center for Human Genetics Tuebingen
Classification: Uncertain significance. Last evaluated: 2023-03-01. Review status: criteria provided, single submitter. Criteria: CeGaT Center For Human Genetics Tuebingen Variant Classification Criteria Version 2. Collection method: clinical testing. Allele origin: germline. Affected: yes. Observed: 1 variant allele.
Comment: AFG3L2: PM2, PP3